The following is an entry in ClinVar:

NM_021076.4(NEFH):c.2839AAG[1] (p.Lys948del)

Gene: NEFH (neurofilament heavy chain; plus strand). Cytogenetic location: 22q12.2.
Variant type: Microsatellite.
Coding change: c.2839AAG[1] on transcript NM_021076.4 (MANE Select); one copy of the 3-base unit AAG starting at c.2839; the reference has two copies in a row; one copy, 3 bases deleted.
Protein change: p.Lys948del; deletes lysine 948.
Molecular consequence: inframe deletion.
Genome position (GRCh38, 1-based): chr22:29,490,482-29,490,484, AAG deleted; deleting any 3 consecutive bases within chr22:29,490,477-29,490,484 gives the same sequence; the position shown is the placement nearest the transcript's 3' end. VCF-style (leftmost placement, unchanged base first): chr22-29490476-GAGA-G. GRCh37 (hg19) VCF-style: chr22-29886465-GAGA-G.
Other names: c.2842_2844delAAG (NM_021076.3); short protein forms K948del.
Identifiers: ClinVar variation 1358295 (VCV001358295.9), dbSNP rs753511635, ClinGen allele CA10174497.

ClinVar aggregate classification (germline): Uncertain significance. Review status: criteria provided, multiple submitters, no conflicts (2 of 4 stars). 2 submissions from 2 submitters: Uncertain significance (2). Last evaluated 2025-12-17.

Conditions:
NEFH-related disorder. Also called: NEFH-related condition.

Submissions (2):

PreventionGenetics, part of Exact Sciences
Classification: Uncertain significance for NEFH-related condition. Last evaluated: 2025-12-17. Review status: criteria provided, single submitter. Criteria: ACMG Guidelines, 2015. Collection method: clinical testing. Allele origin: germline.
Comment: The NEFH c.2842_2844delAAG variant is predicted to result in an in-frame deletion (p.Lys948del). To our knowledge, this variant has not been reported in the literature. This variant is reported in 0.0019% of alleles in individuals of European (non-Finnish) descent in gnomAD. At this time, the clinical significance of this variant is uncertain due to the absence of conclusive functional and genetic evidence.

Labcorp Genetics (formerly Invitae), Labcorp
Classification: Uncertain significance. Last evaluated: 2024-11-12. Review status: criteria provided, single submitter. Criteria: Invitae Variant Classification Sherloc (09022015). Collection method: clinical testing. Allele origin: germline.
Comment: This variant, c.2842_2844del, results in the deletion of 1 amino acid(s) of the NEFH protein (p.Lys948del), but otherwise preserves the integrity of the reading frame. This variant is present in population databases (rs753511635, gnomAD 0.002%). This variant has been observed in individual(s) with clinical features of NEFH-related conditions (internal data). Experimental studies and prediction algorithms are not available or were not evaluated, and the functional significance of this variant is currently unknown. In summary, the available evidence is currently insufficient to determine the role of this variant in disease. Therefore, it has been classified as a Variant of Uncertain Significance.